The following is an entry in ClinVar:

NM_000186.4(CFH):c.1735G>A (p.Val579Ile)

Gene: CFH (complement factor H; plus strand). Cytogenetic location: 1q31.3.
Variant type: single nucleotide variant.
Coding change: c.1735G>A on transcript NM_000186.4 (MANE Select); coding-DNA position 1735, G replaced by A.
Protein change: p.Val579Ile; replaces valine 579 with isoleucine.
Molecular consequence: missense variant.
Genome position (GRCh38, 1-based): chr1:196,725,159, G>A. VCF-style: chr1-196725159-G-A. GRCh37 (hg19) VCF-style: chr1-196694289-G-A.
Other names: short protein forms V579I.
Identifiers: ClinVar variation 1986660 (VCV001986660.7), dbSNP rs532344479, ClinGen allele CA1305473.
Genomic context (GRCh38, chr1:196,725,159, plus strand): 5'-AAATTATTTTACCTTTTTCAAGAAAGAGAATGCGAACTTCCTAAAATAGATGTACACTTA[G>A]TTCCTGATCGCAAGAAAGACCAGTATAAAGTTGGAGAGGTGTTGAAATTCTCCTGCAAAC-3'
Protein context (NP_000177.2, residues 569-589): CELPKIDVHL[Val579Ile]PDRKKDQYKV

ClinVar aggregate classification (germline): Conflicting classifications of pathogenicity. Review status: criteria provided, conflicting classifications (1 of 4 stars). 4 submissions from 4 submitters: Uncertain significance (2); Likely benign (2). Last evaluated 2025-10-02.

Conditions:
Factor H deficiency (CFHD). Also called: CFH DEFICIENCY; COMPLEMENT FACTOR H DEFICIENCY. Identifiers: Orphanet 200421, MedGen C0398777, MONDO:0012350, OMIM 609814.
Age related macular degeneration 4. Identifiers: MedGen C1853147, MONDO:0012540, OMIM 610698.
Basal laminar drusen. Also called: DRUSEN OF BRUCH MEMBRANE; DRUSEN, CUTICULAR; DRUSEN, EARLY ADULT-ONSET, GROUPED. Identifiers: Orphanet 75376, MedGen C0730295, MONDO:0007472, OMIM 126700.
Hemolytic uremic syndrome, atypical, susceptibility to, 1. Also called: AHUS, SUSCEPTIBILITY TO, 1. Identifiers: Orphanet 2134, Orphanet 90038, MedGen C2749604, MONDO:0009335, OMIM 235400. Disease mechanism: Other.
Inborn genetic diseases. Identifiers: MedGen C0950123, MeSH D030342.

Allele frequency attached by ClinVar (database versions not stated): 1000 Genomes Project 30x 0.00016; 1000 Genomes Project 0.00020.
gnomAD v4.1: 42 of 1,613,706 alleles (0.0026%); highest among the groups gnomAD compares: East Asian, 0.056%; 1 homozygote.

Submissions (4):

Genomenon, Inc
Classification: Uncertain significance for Age related macular degeneration 4. Last evaluated: 2025-10-02. Review status: criteria provided, single submitter. Criteria: Genomenon Sequence Variant Interpretation Standards - Updated. Collection method: curation. Allele origin: germline. Affected: yes.
Comment: CFH p.Val579Ile (c.1735G>A) is a missense variant that changes the amino acid at residue 579 from Valine to Isoleucine. This variant has been observed in at least one proband affected with age-related macular degeneration (PMID:18421087). In silico models agree that this variant is not damaging. In conclusion, we classify CFH p.Val579Ile (c.1735G>A) as a variant of uncertain significance.

Labcorp Genetics (formerly Invitae), Labcorp
Classification: Likely benign. Last evaluated: 2025-07-06. Review status: criteria provided, single submitter. Criteria: Invitae Variant Classification Sherloc (09022015). Collection method: clinical testing. Allele origin: germline.

Fulgent Genetics
Classification: Likely benign for Basal laminar drusen; Hemolytic uremic syndrome, atypical, susceptibility to, 1; Factor H deficiency; Age related macular degeneration 4. Last evaluated: 2024-04-10. Review status: criteria provided, single submitter. Criteria: ACMG Guidelines, 2015. Collection method: clinical testing. Allele origin: germline.

Ambry Genetics
Classification: Uncertain significance for Inborn genetic diseases. Last evaluated: 2023-10-19. Review status: criteria provided, single submitter. Criteria: Ambry Variant Classification Scheme 2023. Collection method: clinical testing. Allele origin: germline.

Literature cited by the submitters: PubMed 18421087 (cited by Genomenon, Inc and Ambry Genetics).